The following is an entry in ClinVar:

NM_000245.4(MET):c.1129A>G (p.Ile377Val)

Gene: MET (MET proto-oncogene, receptor tyrosine kinase; plus strand). Cytogenetic location: 7q31.2.
Variant type: single nucleotide variant.
Coding change: c.1129A>G on transcript NM_000245.4 (MANE Select); coding-DNA position 1129, A replaced by G.
Protein change: p.Ile377Val; replaces isoleucine 377 with valine.
Molecular consequence: missense variant. On other transcripts: intron variant (1).
Genome position (GRCh38, 1-based): chr7:116,700,213, A>G. VCF-style: chr7-116700213-A-G. GRCh37 (hg19) VCF-style: chr7-116340267-A-G.
Other names: c.1129A>G, p.Ile377Val (NM_001127500.3, NM_001324401.3); c.-91+27636A>G (NM_001324402.2); short protein forms I377V.
Identifiers: ClinVar variation 485758 (VCV000485758.9), dbSNP rs1554379158, ClinGen allele CA368970602.

ClinVar aggregate classification (germline): Conflicting classifications of pathogenicity. Review status: criteria provided, conflicting classifications (1 of 4 stars). 2 submissions from 2 submitters: Uncertain significance (1); Likely benign (1). Last evaluated 2025-03-05.

Conditions:
Renal cell carcinoma. Identifiers: Orphanet 217071, MedGen C0007134, MeSH D002292, MONDO:0005086, HP:0005584.
Hereditary cancer-predisposing syndrome. Also called: Tumor predisposition; Hereditary Cancer Syndrome; Hereditary neoplastic syndrome; Neoplastic Syndromes, Hereditary. Identifiers: Orphanet 140162, MedGen C0027672, MeSH D009386, MONDO:0015356.

Allele frequency attached by ClinVar (database versions not stated): gnomAD exomes below 0.00001.
gnomAD v4.1: 1 of 1,595,048 alleles (0.000063%); highest among the groups gnomAD compares: Non-Finnish European, 0.000085%; no homozygotes.

Submissions (2):

Labcorp Genetics (formerly Invitae), Labcorp
Classification: Uncertain significance for Renal cell carcinoma. Last evaluated: 2025-03-05. Review status: criteria provided, single submitter. Criteria: Invitae Variant Classification Sherloc (09022015). Collection method: clinical testing. Allele origin: germline.
Comment: This sequence change replaces isoleucine, which is neutral and non-polar, with valine, which is neutral and non-polar, at codon 377 of the MET protein (p.Ile377Val). This variant is not present in population databases (gnomAD no frequency). This variant has not been reported in the literature in individuals affected with MET-related conditions. ClinVar contains an entry for this variant (Variation ID: 485758). Invitae Evidence Modeling of protein sequence and biophysical properties (such as structural, functional, and spatial information, amino acid conservation, physicochemical variation, residue mobility, and thermodynamic stability) indicates that this missense variant is not expected to disrupt MET protein function with a negative predictive value of 80%. In summary, the available evidence is currently insufficient to determine the role of this variant in disease. Therefore, it has been classified as a Variant of Uncertain Significance.

Ambry Genetics
Classification: Likely benign for Hereditary cancer-predisposing syndrome. Last evaluated: 2024-04-23. Review status: criteria provided, single submitter. Criteria: Ambry Variant Classification Scheme 2023. Collection method: clinical testing. Allele origin: germline.